The following is an entry in ClinVar:

ClinVar aggregate classification (germline): Uncertain significance. Review status: criteria provided, multiple submitters, no conflicts (2 of 4 stars). 3 submissions from 3 submitters: Uncertain significance (3). Last evaluated 2024-09-09.

Conditions:
Loeys-Dietz syndrome 2 (LDS2). Also called: Marfan syndrome, type 2 (formerly); TGFBR2-Related Loeys-Dietz Syndrome; AORTIC ANEURYSM, FAMILIAL THORACIC 3; MARFAN SYNDROME, TYPE II; Marfan Syndrome type 2; Marfan like connective tissue disorder. Identifiers: Orphanet 284973, Orphanet 558, MedGen C2674574, MONDO:0012427, OMIM 610168.

Allele frequency attached by ClinVar (database versions not stated): TOPMed 0.00002.
gnomAD v4.1: 1 of 1,614,210 alleles (0.000062%); no homozygotes.

Submissions (3):

Labcorp Genetics (formerly Invitae), Labcorp
Classification: Uncertain significance for Loeys-Dietz syndrome 2. Last evaluated: 2024-09-09. Review status: criteria provided, single submitter. Criteria: Invitae Variant Classification Sherloc (09022015). Collection method: clinical testing. Allele origin: germline.
Comment: This sequence change replaces lysine, which is basic and polar, with threonine, which is neutral and polar, at codon 198 of the TMPO protein (p.Lys198Thr). This variant is not present in population databases (gnomAD no frequency). This variant has not been reported in the literature in individuals affected with TMPO-related conditions. ClinVar contains an entry for this variant (Variation ID: 1305549). Invitae Evidence Modeling of protein sequence and biophysical properties (such as structural, functional, and spatial information, amino acid conservation, physicochemical variation, residue mobility, and thermodynamic stability) indicates that this missense variant is not expected to disrupt TMPO protein function with a negative predictive value of 80%. In summary, the available evidence is currently insufficient to determine the role of this variant in disease. Therefore, it has been classified as a Variant of Uncertain Significance.

Ambry Genetics
Classification: Uncertain significance. Last evaluated: 2024-06-07. Review status: criteria provided, single submitter. Criteria: Ambry Variant Classification Scheme 2023. Collection method: clinical testing. Allele origin: germline.

GeneDx
Classification: Uncertain significance. Last evaluated: 2019-05-06. Review status: criteria provided, single submitter. Criteria: GeneDx Variant Classification Process June 2021. Collection method: clinical testing. Allele origin: germline. Affected: yes.
Comment: Has not been previously published as pathogenic or benign to our knowledge; Not observed in large population cohorts (Lek et al., 2016); In silico analysis, which includes protein predictors and evolutionary conservation, supports that this variant does not alter protein structure/function

NM_001032283.3(TMPO):c.565+1012A>C

Gene: TMPO (thymopoietin; plus strand). Cytogenetic location: 12q23.1.
Variant type: single nucleotide variant.
Coding change: c.565+1012A>C on transcript NM_001032283.3 (MANE Select); 1012 bases into the intron after coding-DNA position 565, A replaced by C.
Molecular consequence: intron variant. On other transcripts: missense variant (1).
Genome position (GRCh38, 1-based): chr12:98,532,850, A>C. VCF-style: chr12-98532850-A-C. GRCh37 (hg19) VCF-style: chr12-98926628-A-C.
Other names: c.565+1012A>C (NM_001307975.2, NM_001032284.3); c.593A>C, p.Lys198Thr (NM_003276.2); short protein forms K198T.
Identifiers: ClinVar variation 1305549 (VCV001305549.7), dbSNP rs1877291034, ClinGen allele CA386151406.